The following is an entry in ClinVar:

ClinVar aggregate classification (germline): Uncertain significance (1 of 4 stars; one submission).

Conditions:
Hereditary cancer-predisposing syndrome. Also called: Neoplastic Syndromes, Hereditary; Tumor predisposition; Hereditary neoplastic syndrome; Hereditary Cancer Syndrome. Identifiers: Orphanet 140162, MedGen C0027672, MeSH D009386, MONDO:0015356.

gnomAD v4.1: 1 of 1,614,016 alleles (0.000062%); highest among the groups gnomAD compares: East Asian, 0.0022%; no homozygotes.

Submission:

Ambry Genetics
Classification: Uncertain significance for Hereditary cancer-predisposing syndrome. Last evaluated: 2026-08-11. Review status: criteria provided, single submitter. Criteria: Ambry Variant Classification Scheme 2023. Collection method: clinical testing. Allele origin: germline.
Comment: The p.F304S variant (also known as c.911T>C), located in coding exon 9 of the BRCA1 gene, results from a T to C substitution at nucleotide position 911. The phenylalanine at codon 304 is replaced by serine, an amino acid with highly dissimilar properties. This amino acid position is conserved. In addition, this alteration is predicted to be deleterious by in silico analysis. Based on the available evidence, the clinical significance of this variant remains unclear.

NM_007294.4(BRCA1):c.911T>C (p.Phe304Ser)

Gene: BRCA1 (BRCA1 DNA repair associated; minus strand). Cytogenetic location: 17q21.31.
Variant type: single nucleotide variant.
Coding change: c.911T>C on transcript NM_007294.4 (MANE Select); coding-DNA position 911, T replaced by C.
Protein change: p.Phe304Ser; replaces phenylalanine 304 with serine.
Molecular consequence: missense variant. On other transcripts: intron variant (137).
Genome position (GRCh38, 1-based): chr17:43,094,620, A>G on the plus strand (T>C on the coding strand, the complement: BRCA1 is on the minus strand). VCF-style: chr17-43094620-A-G. GRCh37 (hg19) VCF-style: chr17-41246637-A-G.
Other names: c.787+124T>C (NM_001407970.1, NM_001407979.1, NM_001407977.1 and 19 more transcripts); c.643+124T>C (NM_001408462.1, NM_001408468.1, NM_001408465.1 and 3 more transcripts); c.709+124T>C (NM_001408414.1, NM_001408411.1, NM_001408415.1 and 2 more transcripts); c.577+124T>C (NM_001408514.1, NM_001408485.1, NM_001408483.1 and 9 more transcripts); c.661+124T>C (NM_001408447.1, NM_001408433.1, NM_001408446.1 and 6 more transcripts); c.784+124T>C (NM_001408400.1, NM_001408392.1, NM_001407986.1 and 13 more transcripts); c.664+124T>C (NM_001408441.1, NM_001408437.1, NM_001408429.1 and 12 more transcripts); c.646+124T>C (NM_001408410.1, NM_001408455.1, NM_001408466.1 and 11 more transcripts); and 40 more; short protein forms F236S, F237S, F256S, F262S, F263S, F277S, F193S, F215S.
Identifiers: ClinVar variation 5033203 (VCV005033203.1).